The following is an entry in ClinVar:

ClinVar aggregate classification (germline): Uncertain significance. Review status: criteria provided, multiple submitters, no conflicts (2 of 4 stars). 2 submissions from 2 submitters: Uncertain significance (2). Last evaluated 2024-01-30.

Conditions:
Inborn genetic diseases. Identifiers: MedGen C0950123, MeSH D030342.
Epilepsy. Also called: Seizure disorder. Identifiers: MedGen C0014544, MeSH D004827, MONDO:0005027.

Allele frequency attached by ClinVar (database versions not stated): gnomAD 0.00001; gnomAD exomes 0.00001.
gnomAD v4.1: 12 of 1,604,850 alleles (0.00075%); highest among the groups gnomAD compares: Non-Finnish European, 0.00093%; no homozygotes.

Submissions (2):

Ambry Genetics
Classification: Uncertain significance for Inborn genetic diseases. Last evaluated: 2024-01-30. Review status: criteria provided, single submitter. Criteria: Ambry Variant Classification Scheme 2023. Collection method: clinical testing. Allele origin: germline.

Labcorp Genetics (formerly Invitae), Labcorp
Classification: Uncertain significance for Epilepsy. Last evaluated: 2021-12-05. Review status: criteria provided, single submitter. Criteria: Invitae Variant Classification Sherloc (09022015). Collection method: clinical testing. Allele origin: germline.
Comment: This variant has not been reported in the literature in individuals affected with PIGQ-related conditions. This sequence change replaces serine, which is neutral and polar, with glycine, which is neutral and non-polar, at codon 172 of the PIGQ protein (p.Ser172Gly). This variant is present in population databases (no rsID available, gnomAD 0.002%). Algorithms developed to predict the effect of missense changes on protein structure and function (SIFT, PolyPhen-2, Align-GVGD) all suggest that this variant is likely to be tolerated. Algorithms developed to predict the effect of sequence changes on RNA splicing suggest that this variant may create or strengthen a splice site. In summary, the available evidence is currently insufficient to determine the role of this variant in disease. Therefore, it has been classified as a Variant of Uncertain Significance.

NM_004204.5(PIGQ):c.514A>G (p.Ser172Gly)

Gene: PIGQ (phosphatidylinositol glycan anchor biosynthesis class Q; plus strand). Cytogenetic location: 16p13.3.
Variant type: single nucleotide variant.
Coding change: c.514A>G on transcript NM_004204.5 (MANE Select); coding-DNA position 514, A replaced by G.
Protein change: p.Ser172Gly; replaces serine 172 with glycine.
Molecular consequence: missense variant.
Genome position (GRCh38, 1-based): chr16:574,588, A>G. VCF-style: chr16-574588-A-G. GRCh37 (hg19) VCF-style: chr16-624588-A-G.
Other names: c.514A>G, p.Ser172Gly (NM_148920.4); c.514A>G (NM_148920.1); short protein forms S172G.
Identifiers: ClinVar variation 1351098 (VCV001351098.7), dbSNP rs1008809041, ClinGen allele CA276482235.